The following is an entry in ClinVar:

ClinVar aggregate classification (germline): Benign/Likely benign. Review status: criteria provided, multiple submitters, no conflicts (2 of 4 stars). 2 submissions from 2 submitters: Benign (1); Likely benign (1). Last evaluated 2026-01-27.

Conditions:
Arthrogryposis, distal, type 1A. Also called: ARTHROGRYPOSIS MULTIPLEX CONGENITA, DISTAL, TYPE I. Identifiers: Orphanet 1146, MedGen C6022280, MONDO:0007157, OMIM 108120.

Allele frequency attached by ClinVar (database versions not stated): gnomAD exomes 0.00005; ExAC 0.00018; gnomAD 0.00062; TOPMed 0.00066; ESP Exome Variant Server 0.00077; 1000 Genomes Project 0.00080; 1000 Genomes Project 30x 0.00094.
gnomAD v4.1: 167 of 1,614,212 alleles (0.01%); highest among the groups gnomAD compares: African/African-American, 0.21%; no homozygotes.

Submissions (2):

Labcorp Genetics (formerly Invitae), Labcorp
Classification: Benign for Arthrogryposis, distal, type 1A. Last evaluated: 2026-01-27. Review status: criteria provided, single submitter. Criteria: Invitae Variant Classification Sherloc (09022015). Collection method: clinical testing. Allele origin: germline.

GeneDx
Classification: Likely benign. Last evaluated: 2017-04-20. Review status: criteria provided, single submitter. Criteria: GeneDx Variant Classification (06012015). Collection method: clinical testing. Allele origin: germline. Affected: yes.
Comment: This variant is considered likely benign or benign based on one or more of the following criteria: it is a conservative change, it occurs at a poorly conserved position in the protein, it is predicted to be benign by multiple in silico algorithms, and/or has population frequency not consistent with disease.

NM_003289.4(TPM2):c.563+17G>A

Gene: TPM2 (tropomyosin 2; minus strand). Cytogenetic location: 9p13.3.
Variant type: single nucleotide variant.
Coding change: c.563+17G>A on transcript NM_003289.4 (MANE Select); 17 bases into the intron after coding-DNA position 563, G replaced by A.
Molecular consequence: intron variant.
Genome position (GRCh38, 1-based): chr9:35,685,252, C>T on the plus strand (G>A on the coding strand, the complement: TPM2 is on the minus strand). VCF-style: chr9-35685252-C-T. GRCh37 (hg19) VCF-style: chr9-35685249-C-T.
Other names: c.563+17G>A (NM_213674.1, NM_001301226.2, NM_001301227.2).
Identifiers: ClinVar variation 516691 (VCV000516691.9), dbSNP rs201633747, ClinGen allele CA5047323.